The following is an entry in ClinVar:

NM_004586.3(RPS6KA3):c.1688G>A (p.Gly563Asp)

Gene: RPS6KA3 (ribosomal protein S6 kinase A3; minus strand). Cytogenetic location: Xp22.12.
Variant type: single nucleotide variant.
Coding change: c.1688G>A on transcript NM_004586.3 (MANE Select); coding-DNA position 1688, G replaced by A.
Protein change: p.Gly563Asp; replaces glycine 563 with aspartic acid.
Molecular consequence: missense variant.
Genome position (GRCh38, 1-based): chrX:20,164,975, C>T on the plus strand (G>A on the coding strand, the complement: RPS6KA3 is on the minus strand). VCF-style: chrX-20164975-C-T. GRCh37 (hg19) VCF-style: chrX-20183093-C-T.
Other names: short protein forms G563D.
Identifiers: ClinVar variation 1189428 (VCV001189428.2), dbSNP rs2148643556, ClinGen allele CA412514161.
Genomic context (GRCh38, chrX:20,164,975, plus strand): 5'-TTTGCAGTGTAACAAGGAGTCATGAGAAGACCATTTTCCGCTCTCAGCTGTTTTGCAAAG[C>T]CAAAATCACAAATTCGAATAGATTCCGGATTACCAGATTCATCCACATAAAGAATGTTGC-3'
Protein context (NP_004577.1, residues 553-573): NPESIRICDF[Gly563Asp]FAKQLRAENG

ClinVar aggregate classification (germline): Uncertain significance (1 of 4 stars; one submission).

Submission:

GeneDx
Classification: Uncertain significance. Last evaluated: 2020-10-23. Review status: criteria provided, single submitter. Criteria: GeneDx Variant Classification Process June 2021. Collection method: clinical testing. Allele origin: germline. Affected: yes.
Comment: Not observed in large population cohorts (Lek et al., 2016); In silico analysis supports that this missense variant has a deleterious effect on protein structure/function; Has not been previously published as pathogenic or benign to our knowledge